The following is an entry in ClinVar:

ClinVar aggregate classification (germline): Uncertain significance (1 of 4 stars; one submission).

Conditions:
Wilms tumor 1 (WT1). Also called: Wilms tumor, somatic. Identifiers: Orphanet 654, MedGen CN033288, MONDO:0008679, OMIM 194070.

gnomAD v4.1: 1 of 1,197,858 alleles (0.000083%); highest among the groups gnomAD compares: Non-Finnish European, 0.00011%; no homozygotes.

Submission:

Labcorp Genetics (formerly Invitae), Labcorp
Classification: Uncertain significance for Wilms tumor 1. Last evaluated: 2025-03-25. Review status: criteria provided, single submitter. Criteria: Invitae Variant Classification Sherloc (09022015). Collection method: clinical testing. Allele origin: germline.
Comment: This sequence change replaces lysine, which is basic and polar, with glutamic acid, which is acidic and polar, at codon 370 of the GPC3 protein (p.Lys370Glu). This variant is not present in population databases (gnomAD no frequency). This variant has not been reported in the literature in individuals affected with GPC3-related conditions. Invitae Evidence Modeling of protein sequence and biophysical properties (such as structural, functional, and spatial information, amino acid conservation, physicochemical variation, residue mobility, and thermodynamic stability) indicates that this missense variant is not expected to disrupt GPC3 protein function with a negative predictive value of 80%. In summary, the available evidence is currently insufficient to determine the role of this variant in disease. Therefore, it has been classified as a Variant of Uncertain Significance.

NM_004484.4(GPC3):c.1108A>G (p.Lys370Glu)

Gene: GPC3 (glypican 3; minus strand). Cytogenetic location: Xq26.2.
Variant type: single nucleotide variant.
Coding change: c.1108A>G on transcript NM_004484.4 (MANE Select); coding-DNA position 1108, A replaced by G.
Protein change: p.Lys370Glu; replaces lysine 370 with glutamic acid.
Molecular consequence: missense variant.
Genome position (GRCh38, 1-based): chrX:133,699,953, T>C on the plus strand (A>G on the coding strand, the complement: GPC3 is on the minus strand). VCF-style: chrX-133699953-T-C. GRCh37 (hg19) VCF-style: chrX-132833981-T-C.
Other names: c.1177A>G, p.Lys393Glu (NM_001164617.2); c.1060A>G, p.Lys354Glu (NM_001164618.2); c.946A>G, p.Lys316Glu (NM_001164619.2); short protein forms K354E, K316E, K393E, K370E.
Identifiers: ClinVar variation 4703134 (VCV004703134.1).
Genomic context (GRCh38, chrX:133,699,953, plus strand): 5'-ACCTTCTTCGGCTGGATAAGGTTTCTTCATGTTCTACATGAGCAACTTTTAATACTTTCT[T>C]GTCAATAAAGAGATCTTCAGGATAATAAGCAGATCTATATTGGCGTTGTTGAGAATGGGC-3'
Protein context (NP_004475.1, residues 360-380): AYYPEDLFID[Lys370Glu]KVLKVAHVEH